The following is an entry in ClinVar:

ClinVar aggregate classification (germline): Uncertain significance. Review status: criteria provided, multiple submitters, no conflicts (2 of 4 stars). 2 submissions from 2 submitters: Uncertain significance (2). Last evaluated 2026-08-13.

Conditions:
ANKRD1-related dilated cardiomyopathy. Identifiers: MedGen CN119551.
Cardiovascular phenotype. Identifiers: MedGen CN230736.

Allele frequency attached by ClinVar (database versions not stated): ESP Exome Variant Server 0.00015; gnomAD exomes 0.00001; ExAC 0.00004.
gnomAD v4.1: 29 of 1,614,052 alleles (0.0018%); highest among the groups gnomAD compares: Non-Finnish European, 0.0023%; no homozygotes.

Submissions (2):

Ambry Genetics
Classification: Uncertain significance for Cardiovascular phenotype. Last evaluated: 2026-08-13. Review status: criteria provided, single submitter. Criteria: Ambry Variant Classification Scheme 2023. Collection method: clinical testing. Allele origin: germline.
Comment: The c.28-3T>C intronic variant results from a T to C substitution 3 nucleotides upstream from coding exon 2 in the ANKRD1 gene. This nucleotide position is poorly conserved in available vertebrate species. In silico splice site analysis predicts that this alteration will not have any significant effect on splicing. The evidence for this gene-disease relationship is limited; therefore, the clinical significance of this variant is unclear.

Labcorp Genetics (formerly Invitae), Labcorp
Classification: Uncertain significance for ANKRD1-related dilated cardiomyopathy. Last evaluated: 2024-12-18. Review status: criteria provided, single submitter. Criteria: Invitae Variant Classification Sherloc (09022015). Collection method: clinical testing. Allele origin: germline.
Comment: This sequence change falls in intron 1 of the ANKRD1 gene. It does not directly change the encoded amino acid sequence of the ANKRD1 protein. It affects a nucleotide within the consensus splice site. This variant is present in population databases (rs369640260, gnomAD 0.003%). This variant has not been reported in the literature in individuals affected with ANKRD1-related conditions. ClinVar contains an entry for this variant (Variation ID: 949827). Variants that disrupt the consensus splice site are a relatively common cause of aberrant splicing (PMID: 17576681, 9536098). Algorithms developed to predict the effect of sequence changes on RNA splicing suggest that this variant is not likely to affect RNA splicing. In summary, the available evidence is currently insufficient to determine the role of this variant in disease. Therefore, it has been classified as a Variant of Uncertain Significance.

Literature cited by the submitters: PubMed 17576681 (cited by Labcorp Genetics (formerly Invitae), Labcorp); PubMed 9536098 (cited by Labcorp Genetics (formerly Invitae), Labcorp).

NM_014391.3(ANKRD1):c.28-3T>C

Gene: ANKRD1 (ankyrin repeat domain 1; minus strand). Cytogenetic location: 10q23.31.
Variant type: single nucleotide variant.
Coding change: c.28-3T>C on transcript NM_014391.3 (MANE Select); 3 bases into the intron before coding-DNA position 28, T replaced by C.
Molecular consequence: intron variant.
Genome position (GRCh38, 1-based): chr10:90,920,351, A>G on the plus strand (T>C on the coding strand, the complement: ANKRD1 is on the minus strand). VCF-style: chr10-90920351-A-G. GRCh37 (hg19) VCF-style: chr10-92680108-A-G.
Identifiers: ClinVar variation 949827 (VCV000949827.12), dbSNP rs369640260, ClinGen allele CA5598857.
Genomic context (GRCh38, chr10:90,920,351, plus strand): 5'-TGAAATCCTCAGGAAGGAATTCCCCTGCCTCCCCATTGCCATTCTTCTTTCCAGTGACCT[A>G]TGAGGGAAGAAGATGGCAGCGTCAGAAGCAGCAGCCTCGTCCTGGGTCATTCTTCACAGA-3'